The following is an entry in ClinVar:

ClinVar aggregate classification (germline): Likely benign (0 of 4 stars; one submission).

Conditions:
AGBL1-related disorder. Also called: AGBL1-related condition.

Allele frequency attached by ClinVar (database versions not stated): gnomAD 0.00002; gnomAD exomes 0.00002; TOPMed 0.00003; ExAC 0.00015.

Submission:

PreventionGenetics, part of Exact Sciences
Classification: Likely benign for AGBL1-related condition. Last evaluated: 2019-02-20. Review status: no assertion criteria provided. Collection method: clinical testing. Allele origin: germline.
Comment: This variant is classified as likely benign based on ACMG/AMP sequence variant interpretation guidelines (Richards et al. 2015 PMID: 25741868, with internal and published modifications).

NM_001386094.1(AGBL1):c.3078C>T (p.Ala1026=)

Gene: AGBL1 (AGBL carboxypeptidase 1; plus strand). Cytogenetic location: 15q25.3.
Variant type: single nucleotide variant.
Coding change: c.3078C>T on transcript NM_001386094.1 (MANE Select); coding-DNA position 3078, C replaced by T.
Protein change: p.Ala1026=; no amino-acid change (alanine 1026 retained).
Molecular consequence: synonymous variant.
Genome position (GRCh38, 1-based): chr15:86,674,356, C>T. VCF-style: chr15-86674356-C-T. GRCh37 (hg19) VCF-style: chr15-87217587-C-T.
Other names: c.3141C>T, p.Ala1047= (NM_152336.4).
Identifiers: ClinVar variation 3045038 (VCV003045038.2), dbSNP rs771402131, ClinGen allele CA7716364.